The following is an entry in ClinVar:

ClinVar aggregate classification (germline): Likely benign. Review status: criteria provided, single submitter (1 of 4 stars). 2 submissions from 2 submitters: Likely benign (1). 1 of the submissions does not count toward it. Last evaluated 2025-12-03.

Conditions:
KMT2D-related disorder. Also called: KMT2D-Related Disorders.
Kabuki syndrome. Also called: NIIKAWA-KUROKI SYNDROME; Kabuki make-up syndrome. Identifiers: Orphanet 2322, MedGen C0796004, MONDO:0016512.

Allele frequency attached by ClinVar (database versions not stated): TOPMed below 0.00001; gnomAD 0.00001; gnomAD exomes 0.00002; ExAC 0.00004; 1000 Genomes Project 30x 0.00016; 1000 Genomes Project 0.00020.
gnomAD v4.1: 26 of 1,604,508 alleles (0.0016%); highest among the groups gnomAD compares: East Asian, 0.011%; no homozygotes.

Submissions (2):

Labcorp Genetics (formerly Invitae), Labcorp
Classification: Likely benign for Kabuki syndrome. Last evaluated: 2025-12-03. Review status: criteria provided, single submitter. Criteria: Invitae Variant Classification Sherloc (09022015). Collection method: clinical testing. Allele origin: germline.

PreventionGenetics, part of Exact Sciences
Classification: Likely benign for KMT2D-related condition. Last evaluated: 2024-05-02. Review status: no assertion criteria provided. Collection method: clinical testing. Allele origin: germline. Not counted in ClinVar's aggregate classification.
Comment: This variant is classified as likely benign based on ACMG/AMP sequence variant interpretation guidelines (Richards et al. 2015 PMID: 25741868, with internal and published modifications).

NM_003482.4(KMT2D):c.15717G>A (p.Pro5239=)

Gene: KMT2D (lysine methyltransferase 2D; minus strand). Cytogenetic location: 12q13.12.
Variant type: single nucleotide variant.
Coding change: c.15717G>A on transcript NM_003482.4 (MANE Select); coding-DNA position 15717, G replaced by A.
Protein change: p.Pro5239=; no amino-acid change (proline 5239 retained).
Molecular consequence: synonymous variant.
Genome position (GRCh38, 1-based): chr12:49,026,249, C>T on the plus strand (G>A on the coding strand, the complement: KMT2D is on the minus strand). VCF-style: chr12-49026249-C-T. GRCh37 (hg19) VCF-style: chr12-49420032-C-T.
Other names: c.15717G>A (NM_003482.3).
Identifiers: ClinVar variation 1630613 (VCV001630613.11), dbSNP rs543419394, ClinGen allele CA6545508.